The following is an entry in ClinVar:

ClinVar aggregate classification (germline): Uncertain significance. Review status: criteria provided, multiple submitters, no conflicts (2 of 4 stars). 2 submissions from 2 submitters: Uncertain significance (2). Last evaluated 2025-07-23.

Conditions:
VPS13A-related neurodegenerative disease. Also called: Choreoacanthocytosis; Chorea-acanthocytosis; ACANTHOCYTOSIS WITH NEUROLOGIC DISORDER; VPS13A Disease; LEVINE-CRITCHLEY SYNDROME; Choreaacanthocytosis. Identifiers: Orphanet 2388, MedGen C0393576, MONDO:0008695, OMIM 200150.

Allele frequency attached by ClinVar (database versions not stated): gnomAD 0.00001 and 0.00003; gnomAD exomes 0.00001 and 0.00003; TOPMed 0.00001; ExAC 0.00003; 1000 Genomes Project 30x 0.00016; 1000 Genomes Project 0.00020.
gnomAD v4.1: 22 of 1,613,562 alleles (0.0014%); highest among the groups gnomAD compares: East Asian, 0.029%; no homozygotes.

Submissions (2):

Myriad Genetics, Inc.
Classification: Uncertain significance for VPS13A-related neurodegenerative disease. Last evaluated: 2025-07-23. Review status: criteria provided, single submitter. Criteria: Myriad Autosomal Dominant, Autosomal Recessive and X-Linked Classification Criteria (2023). Collection method: clinical testing. Allele origin: unknown.
Comment: NM_033305.2(VPS13A):c.1061A>G(H354R) is a missense variant classified as a variant of uncertain significance in the context of VPS13A disease. H354R has not been observed in cases with relevant disease. Relevant functional assessments of this variant are not available in the literature. H354R has been observed in referenced population frequency databases. In summary, there is insufficient evidence to classify NM_033305.2(VPS13A):c.1061A>G(H354R) as pathogenic or benign. Please note: this variant was assessed in the context of healthy population screening.

Illumina Laboratory Services, Illumina
Classification: Uncertain significance for VPS13A-related neurodegenerative disease. Last evaluated: 2018-01-13. Review status: criteria provided, single submitter. Criteria: ICSL Variant Classification Criteria 13 December 2019. Collection method: clinical testing. Allele origin: germline.

NM_033305.3(VPS13A):c.1061A>G (p.His354Arg)

Gene: VPS13A (vacuolar protein sorting 13 homolog A; plus strand). Cytogenetic location: 9q21.2.
Variant type: single nucleotide variant.
Coding change: c.1061A>G on transcript NM_033305.3 (MANE Select); coding-DNA position 1061, A replaced by G.
Protein change: p.His354Arg; replaces histidine 354 with arginine.
Molecular consequence: missense variant.
Genome position (GRCh38, 1-based): chr9:77,221,256, A>G. VCF-style: chr9-77221256-A-G. GRCh37 (hg19) VCF-style: chr9-79836172-A-G.
Other names: c.1061A>G, p.His354Arg (NM_001018037.2, NM_001018038.3, NM_015186.4); short protein forms H354R.
Identifiers: ClinVar variation 367351 (VCV000367351.6), dbSNP rs202123189, ClinGen allele CA5091572.